The following is an entry in ClinVar:

NM_006939.4(SOS2):c.373C>T (p.His125Tyr)

Gene: SOS2 (SOS Ras/Rho guanine nucleotide exchange factor 2; minus strand). Cytogenetic location: 14q21.3.
Variant type: single nucleotide variant.
Coding change: c.373C>T on transcript NM_006939.4 (MANE Select); coding-DNA position 373, C replaced by T.
Protein change: p.His125Tyr; replaces histidine 125 with tyrosine.
Molecular consequence: missense variant.
Genome position (GRCh38, 1-based): chr14:50,199,828, G>A on the plus strand (C>T on the coding strand, the complement: SOS2 is on the minus strand). VCF-style: chr14-50199828-G-A. GRCh37 (hg19) VCF-style: chr14-50666546-G-A.
Other names: c.373C>T, p.His125Tyr (NM_001411020.1); short protein forms H125Y.
Identifiers: ClinVar variation 3447361 (VCV003447361.2).
Genomic context (GRCh38, chr14:50,199,828, plus strand): 5'-CCAATTTTAAAATATCAGCTGAGATATACTCTAGTACAGCCACAATATATAGGGATACAT[G>A]GTAGTCCACTTTGTACCCTAATACTTCCTGTGAAAAGAATAAATAATTTAATTGCAAAAT-3'
Protein context (NP_008870.2, residues 115-135): KEVLGYKVDY[His125Tyr]VSLYIVAVLE

ClinVar aggregate classification (germline): Uncertain significance. Review status: criteria provided, multiple submitters, no conflicts (2 of 4 stars). 2 submissions from 2 submitters: Uncertain significance (2). Last evaluated 2026-01-01.

Conditions:
Noonan syndrome 9 (NS9). Identifiers: Orphanet 648, MedGen C4225282, MONDO:0014691, OMIM 616559.
Cardiovascular phenotype. Identifiers: MedGen CN230736.

gnomAD v4.1: 8 of 1,586,624 alleles (0.0005%); highest among the groups gnomAD compares: Non-Finnish European, 0.00069%; no homozygotes.

Submissions (2):

Labcorp Genetics (formerly Invitae), Labcorp
Classification: Uncertain significance for Noonan syndrome 9. Last evaluated: 2026-01-01. Review status: criteria provided, single submitter. Criteria: Invitae Variant Classification Sherloc (09022015). Collection method: clinical testing. Allele origin: germline.
Comment: This sequence change replaces histidine, which is basic and polar, with tyrosine, which is neutral and polar, at codon 125 of the SOS2 protein (p.His125Tyr). The frequency data for this variant in the population databases is considered unreliable, as metrics indicate poor data quality at this position in the gnomAD database. This variant has not been reported in the literature in individuals affected with SOS2-related conditions. ClinVar contains an entry for this variant (Variation ID: 3447361). Invitae Evidence Modeling of protein sequence and biophysical properties (such as structural, functional, and spatial information, amino acid conservation, physicochemical variation, residue mobility, and thermodynamic stability) indicates that this missense variant is not expected to disrupt SOS2 protein function with a negative predictive value of 95%. In summary, the available evidence is currently insufficient to determine the role of this variant in disease. Therefore, it has been classified as a Variant of Uncertain Significance.

Ambry Genetics
Classification: Uncertain significance for Cardiovascular phenotype. Last evaluated: 2024-09-11. Review status: criteria provided, single submitter. Criteria: Ambry Variant Classification Scheme 2023. Collection method: clinical testing. Allele origin: germline.
Comment: The p.H125Y variant (also known as c.373C>T), located in coding exon 4 of the SOS2 gene, results from a C to T substitution at nucleotide position 373. The histidine at codon 125 is replaced by tyrosine, an amino acid with similar properties. This amino acid position is conserved. In addition, the in silico prediction for this alteration is inconclusive. Based on the available evidence, the clinical significance of this variant remains unclear.